The following is an entry in ClinVar:

ClinVar aggregate classification (germline): Uncertain significance (1 of 4 stars; one submission).

Allele frequency attached by ClinVar (database versions not stated): TOPMed below 0.00001.

Submission:

GeneDx
Classification: Uncertain significance. Last evaluated: 2022-11-08. Review status: criteria provided, single submitter. Criteria: GeneDx Variant Classification Process June 2021. Collection method: clinical testing. Allele origin: germline. Affected: yes.
Comment: Not observed at significant frequency in large population cohorts (gnomAD); In silico analysis supports that this missense variant has a deleterious effect on protein structure/function; Has not been previously published as pathogenic or benign to our knowledge

NM_004380.3(CREBBP):c.3178A>G (p.Lys1060Glu)

Gene: CREBBP (CREB binding protein; minus strand). Cytogenetic location: 16p13.3.
Variant type: single nucleotide variant.
Coding change: c.3178A>G on transcript NM_004380.3 (MANE Select); coding-DNA position 3178, A replaced by G.
Protein change: p.Lys1060Glu; replaces lysine 1060 with glutamic acid.
Molecular consequence: missense variant.
Genome position (GRCh38, 1-based): chr16:3,767,792, T>C on the plus strand (A>G on the coding strand, the complement: CREBBP is on the minus strand). VCF-style: chr16-3767792-T-C. GRCh37 (hg19) VCF-style: chr16-3817793-T-C.
Other names: c.3064A>G, p.Lys1022Glu (NM_001079846.1); short protein forms K1022E, K1060E.
Identifiers: ClinVar variation 2501460 (VCV002501460.1), dbSNP rs2052893196, ClinGen allele CA394570642.